The following is an entry in ClinVar:

ClinVar aggregate classification (germline): Likely pathogenic. Review status: criteria provided, multiple submitters, no conflicts (2 of 4 stars). 3 submissions from 3 submitters: Likely pathogenic (2). 1 of the submissions does not count toward it. Last evaluated 2023-08-22.

Conditions:
Tay-Sachs disease (TSD). Also called: HEXA DEFICIENCY; GM2 gangliosidosis, type 1; Hexosaminidase alpha-subunit deficiency (variant B); Sphingolipidosis, Tay-Sachs; Hexosaminidase A Deficiency; HEXA Disorders. Identifiers: Orphanet 845, MedGen C0039373, MONDO:0010100, OMIM 272800.

Submissions (3):

Women's Health and Genetics/Laboratory Corporation of America, LabCorp
Classification: Likely pathogenic for Tay-Sachs disease. Last evaluated: 2023-08-22. Review status: criteria provided, single submitter. Criteria: LabCorp Variant Classification Summary - May 2015. Collection method: clinical testing. Allele origin: germline.
Comment: Variant summary: HEXA c.805G>C (p.Gly269Arg) results in a non-conservative amino acid change located in the Glycoside hydrolase family 20, catalytic domain (IPR015883) of the encoded protein sequence. Five of five in-silico tools predict a damaging effect of the variant on protein function. Several computational tools predict a significant impact on normal splicing: Three predict the variant weakens the canonical 5' donor site. However, these predictions have yet to be confirmed by functional studies. The variant was absent in 251438 control chromosomes (gnomAD). c.805G>C has been reported in the literature in one individual affected with Tay-Sachs Disease and one individual affected with central nervous system white matter abnormalities (examples: Sheth _2014 and Kaur_2021). These data indicate that the variant may be associated with disease. To our knowledge, no experimental evidence demonstrating an impact on protein function has been reported. A different variant affecting the same codon (c.805G>A , p.Gly269Ser) is classified pathogenic internally and in ClinVar (CV ID 3898). This suggests that this residue may be clinically significant. The following publications have been ascertained in the context of this evaluation (PMID: 34302356, 27896118). One submitter has cited clinical-significance assessments for this variant to ClinVar after 2014 and has classified the variant as likely pathogenic. Based on the evidence outlined above, the variant was classified as likely pathogenic.

Labcorp Genetics (formerly Invitae), Labcorp
Classification: Likely pathogenic for Tay-Sachs disease. Last evaluated: 2021-11-26. Review status: criteria provided, single submitter. Criteria: Invitae Variant Classification Sherloc (09022015). Collection method: clinical testing. Allele origin: germline.
Comment: In summary, the currently available evidence indicates that the variant is pathogenic, but additional data are needed to prove that conclusively. Therefore, this variant has been classified as Likely Pathogenic. This variant disrupts the c.805 nucleotide in the HEXA gene. Other variant(s) that disrupt this nucleotide have been determined to be pathogenic (PMID: 2522679, 20363167). This suggests that this nucleotide is clinically significant, and that variants that disrupt this position are likely to be disease-causing. Variants that disrupt the consensus splice site are a relatively common cause of aberrant splicing (PMID: 17576681, 9536098). Algorithms developed to predict the effect of sequence changes on RNA splicing suggest that this variant may disrupt the consensus splice site. Algorithms developed to predict the effect of missense changes on protein structure and function are either unavailable or do not agree on the potential impact of this missense change (SIFT: "Deleterious"; PolyPhen-2: "Probably Damaging"; Align-GVGD: "Class C0"). ClinVar contains an entry for this variant (Variation ID: 375357). This missense change has been observed in individual(s) with Tay–Sachs disease (PMID: 27896118). This variant is not present in population databases (gnomAD no frequency). This sequence change replaces glycine, which is neutral and non-polar, with arginine, which is basic and polar, at codon 269 of the HEXA protein (p.Gly269Arg). This variant also falls at the last nucleotide of exon 7, which is part of the consensus splice site for this exon.

Foundation for Research in Genetics and Endocrinology, FRIGE's Institute of Human Genetics
Classification: Pathogenic for Tay-Sachs disease. Last evaluated: 2012-12-18. Review status: no assertion criteria provided. Collection method: research. Allele origin: germline. Inheritance: Autosomal recessive inheritance. Affected: yes. Observed: 1 heterozygote. Not counted in ClinVar's aggregate classification.

Literature cited by the submitters: PubMed 27896118 (cited by 3 submitters); PubMed 34302356 (cited by Women's Health and Genetics/Laboratory Corporation of America, LabCorp); PubMed 2522679 (cited by Labcorp Genetics (formerly Invitae), Labcorp); PubMed 20363167 (cited by Labcorp Genetics (formerly Invitae), Labcorp); PubMed 17576681 (cited by Labcorp Genetics (formerly Invitae), Labcorp); PubMed 9536098 (cited by Labcorp Genetics (formerly Invitae), Labcorp).

NM_000520.6(HEXA):c.805G>C (p.Gly269Arg)

Gene: HEXA (hexosaminidase subunit alpha; minus strand). Cytogenetic location: 15q23.
Variant type: single nucleotide variant.
Coding change: c.805G>C on transcript NM_000520.6 (MANE Select); coding-DNA position 805, G replaced by C.
Protein change: p.Gly269Arg; replaces glycine 269 with arginine.
Molecular consequence: missense variant. On other transcripts: non-coding transcript variant (1).
Genome position (GRCh38, 1-based): chr15:72,350,518, C>G on the plus strand (G>C on the coding strand, the complement: HEXA is on the minus strand). VCF-style: chr15-72350518-C-G. GRCh37 (hg19) VCF-style: chr15-72642859-C-G.
Other names: c.805G>C (NM_000520.5); c.838G>C, p.Gly280Arg (NM_001318825.2); short protein forms G269R, G280R.
Identifiers: ClinVar variation 375357 (VCV000375357.10), dbSNP rs121907954, ClinGen allele CA16044204.